The following is an entry in ClinVar:

NM_001005279.3(OR6K2):c.947G>T (p.Arg316Ile)

Gene: OR6K2 (olfactory receptor family 6 subfamily K member 2; minus strand). Cytogenetic location: 1q23.1.
Variant type: single nucleotide variant.
Coding change: c.947G>T on transcript NM_001005279.3 (MANE Select); coding-DNA position 947, G replaced by T.
Protein change: p.Arg316Ile; replaces arginine 316 with isoleucine.
Molecular consequence: missense variant.
Genome position (GRCh38, 1-based): chr1:158,699,706, C>A on the plus strand (G>T on the coding strand, the complement: OR6K2 is on the minus strand). VCF-style: chr1-158699706-C-A. GRCh37 (hg19) VCF-style: chr1-158669496-C-A.
Other names: short protein forms R316I.
Identifiers: ClinVar variation 161485 (VCV000161485.2), dbSNP rs193920807, ClinGen allele CA174122.

ClinVar aggregate classification (germline): Uncertain significance (0 of 4 stars; one submission).

Conditions:
Prostate cancer. Also called: Malignant tumor of prostate. Identifiers: Orphanet 1331, MedGen C0376358, MONDO:0008315, HP:0012125.

Submission:

Science for Life laboratory,  Karolinska Institutet
Classification: Uncertain significance for Malignant tumor of prostate. Review status: no assertion criteria provided. Collection method: not provided. Allele origin: somatic.
Comment: TumorID:SWE-12A
ClinVar note: Converted during submission from Unknown to Uncertain significance.